The following is an entry in ClinVar:

ClinVar aggregate classification (germline): Uncertain significance. Review status: criteria provided, multiple submitters, no conflicts (2 of 4 stars). 2 submissions from 2 submitters: Uncertain significance (2). Last evaluated 2025-08-27.

Conditions:
Candidiasis, familial, 6 (CANDF6). Also called: Candidiasis, familial, 6, autosomal dominant. Identifiers: Orphanet 1334, MedGen C3151405, MONDO:0013503, OMIM 613956.

Allele frequency attached by ClinVar (database versions not stated): gnomAD exomes 0.00002; ExAC 0.00003; gnomAD 0.00003; TOPMed 0.00003; ESP Exome Variant Server 0.00008.
gnomAD v4.1: 35 of 1,613,704 alleles (0.0022%); highest among the groups gnomAD compares: East Asian, 0.0045%; no homozygotes.

Submissions (2):

Ambry Genetics
Classification: Uncertain significance. Last evaluated: 2025-08-27. Review status: criteria provided, single submitter. Criteria: Ambry Variant Classification Scheme 2023. Collection method: clinical testing. Allele origin: germline.

Labcorp Genetics (formerly Invitae), Labcorp
Classification: Uncertain significance for Candidiasis, familial, 6. Last evaluated: 2025-07-16. Review status: criteria provided, single submitter. Criteria: Invitae Variant Classification Sherloc (09022015). Collection method: clinical testing. Allele origin: germline.
Comment: This sequence change replaces arginine, which is basic and polar, with glutamine, which is neutral and polar, at codon 92 of the IL17F protein (p.Arg92Gln). This variant is present in population databases (rs376780230, gnomAD 0.01%). This variant has not been reported in the literature in individuals affected with IL17F-related conditions. ClinVar contains an entry for this variant (Variation ID: 849867). An algorithm developed to predict the effect of missense changes on protein structure and function (PolyPhen-2) suggests that this variant is likely to be disruptive. In summary, the available evidence is currently insufficient to determine the role of this variant in disease. Therefore, it has been classified as a Variant of Uncertain Significance.

NM_052872.4(IL17F):c.275G>A (p.Arg92Gln)

Gene: IL17F (interleukin 17F; minus strand). Cytogenetic location: 6p12.2.
Variant type: single nucleotide variant.
Coding change: c.275G>A on transcript NM_052872.4 (MANE Select); coding-DNA position 275, G replaced by A.
Protein change: p.Arg92Gln; replaces arginine 92 with glutamine.
Molecular consequence: missense variant.
Genome position (GRCh38, 1-based): chr6:52,237,148, C>T on the plus strand (G>A on the coding strand, the complement: IL17F is on the minus strand). VCF-style: chr6-52237148-C-T. GRCh37 (hg19) VCF-style: chr6-52101946-C-T.
Other names: short protein forms R92Q.
Identifiers: ClinVar variation 849867 (VCV000849867.10), dbSNP rs376780230, ClinGen allele CA3854388.